The following is an entry in ClinVar:

NM_001754.5(RUNX1):c.1211A>C (p.His404Pro)

Gene: RUNX1 (RUNX family transcription factor 1; minus strand). Cytogenetic location: 21q22.12.
Variant type: single nucleotide variant.
Coding change: c.1211A>C on transcript NM_001754.5 (MANE Select); coding-DNA position 1211, A replaced by C.
Protein change: p.His404Pro; replaces histidine 404 with proline.
Molecular consequence: missense variant.
Genome position (GRCh38, 1-based): chr21:34,792,367, T>G on the plus strand (A>C on the coding strand, the complement: RUNX1 is on the minus strand). VCF-style: chr21-34792367-T-G. GRCh37 (hg19) VCF-style: chr21-36164664-T-G.
Other names: c.1130A>C, p.His377Pro (NM_001001890.3); short protein forms H404P, H377P.
Identifiers: ClinVar variation 3948850 (VCV003948850.1).

ClinVar aggregate classification (germline): Uncertain significance (1 of 4 stars; one submission).

Conditions:
Inborn genetic diseases. Identifiers: MedGen C0950123, MeSH D030342.

Submission:

Ambry Genetics
Classification: Uncertain significance for Inborn genetic diseases. Last evaluated: 2025-03-30. Review status: criteria provided, single submitter. Criteria: Ambry Variant Classification Scheme 2023. Collection method: clinical testing. Allele origin: germline.
Comment: The p.H404P variant (also known as c.1211A>C), located in coding exon 8 of the RUNX1 gene, results from an A to C substitution at nucleotide position 1211. The histidine at codon 404 is replaced by proline, an amino acid with similar properties. This amino acid position is conserved. In addition, this alteration is predicted to be tolerated by in silico analysis. Based on the available evidence, the clinical significance of this variant remains unclear.